The following is an entry in ClinVar:

ClinVar aggregate classification (germline): Likely benign (0 of 4 stars; one submission).

Conditions:
STARD9-related disorder. Also called: STARD9-related condition.

Allele frequency attached by ClinVar (database versions not stated): gnomAD 0.00001; gnomAD exomes 0.00001; TOPMed 0.00002.
gnomAD v4.1: 15 of 1,509,198 alleles (0.00099%); highest among the groups gnomAD compares: Admixed American, 0.012%; no homozygotes.

Submission:

PreventionGenetics, part of Exact Sciences
Classification: Likely benign for STARD9-related condition. Last evaluated: 2019-07-19. Review status: no assertion criteria provided. Collection method: clinical testing. Allele origin: germline.
Comment: This variant is classified as likely benign based on ACMG/AMP sequence variant interpretation guidelines (Richards et al. 2015 PMID: 25741868, with internal and published modifications).

NM_020759.3(STARD9):c.560-6C>T

Gene: STARD9 (StAR related lipid transfer domain containing 9; plus strand). Cytogenetic location: 15q15.2.
Variant type: single nucleotide variant.
Coding change: c.560-6C>T on transcript NM_020759.3 (MANE Select); 6 bases into the intron before coding-DNA position 560, C replaced by T.
Molecular consequence: intron variant.
Genome position (GRCh38, 1-based): chr15:42,651,010, C>T. VCF-style: chr15-42651010-C-T. GRCh37 (hg19) VCF-style: chr15-42943208-C-T.
Identifiers: ClinVar variation 3050407 (VCV003050407.2), dbSNP rs965747941, ClinGen allele CA269866801.